The following is an entry in ClinVar:

NM_004415.4(DSP):c.2966C>T (p.Ser989Phe)

Gene: DSP (desmoplakin; plus strand). Cytogenetic location: 6p24.3.
Variant type: single nucleotide variant.
Coding change: c.2966C>T on transcript NM_004415.4 (MANE Select); coding-DNA position 2966, C replaced by T.
Protein change: p.Ser989Phe; replaces serine 989 with phenylalanine.
Molecular consequence: missense variant.
Genome position (GRCh38, 1-based): chr6:7,577,867, C>T. VCF-style: chr6-7577867-C-T. GRCh37 (hg19) VCF-style: chr6-7578100-C-T.
Other names: c.2966C>T (LRG_423t1); c.2966C>T, p.Ser989Phe (NM_001008844.3, NM_001319034.2); short protein forms S989F.
Identifiers: ClinVar variation 581025 (VCV000581025.20), dbSNP rs746346559, ClinGen allele CA036235.

ClinVar aggregate classification (germline): Uncertain significance. Review status: criteria provided, multiple submitters, no conflicts (2 of 4 stars). 8 submissions from 6 submitters: Uncertain significance (8). Last evaluated 2025-08-06.

Conditions:
Cardiomyopathy (CMYO). Also called: Cardiomyopathies. Identifiers: Orphanet 167848, MedGen C0878544, MONDO:0004994, HP:0001638. Inheritance: Various modes of inheritance.
Arrhythmogenic right ventricular dysplasia 8 (ARVD8). Also called: ARRHYTHMOGENIC RIGHT VENTRICULAR DYSPLASIA, FAMILIAL, 8; ARRHYTHMOGENIC RIGHT VENTRICULAR CARDIOMYOPATHY 8; Arrhythmogenic Right Ventricular Dysplasia/Cardiomyopathy 8. Identifiers: MedGen C1843896, MONDO:0011831, OMIM 607450.
Woolly hair-skin fragility syndrome (WHSF). Identifiers: Orphanet 293165, MedGen C1843292, MONDO:0957307, OMIM 620415.
Lethal acantholytic epidermolysis bullosa (EBLA). Identifiers: Orphanet 158687, MedGen C1864826, MONDO:0012323, OMIM 609638.
Arrhythmogenic cardiomyopathy with wooly hair and keratoderma. Also called: Dilated cardiomyopathy with woolly hair and keratoderma; Arrhythmogenic cardiomyopathy with woolly hair and keratoderma; Carvajal syndrome; PALMOPLANTAR KERATODERMA WITH LEFT VENTRICULAR CARDIOMYOPATHY AND WOOLLY HAIR. Identifiers: Orphanet 65282, MedGen C1854063, MONDO:0011581, OMIM 605676.
Cardiovascular phenotype. Identifiers: MedGen CN230736.
Keratosis palmoplantaris striata 2. Also called: Keratosis palmoplantaris striata II; KERATODERMA, PALMOPLANTAR, STRIATE FORM II; STRIATE PALMOPLANTAR KERATODERMA II. Identifiers: MedGen C1852127, MONDO:0013034, OMIM 612908.
Cardiomyopathy, dilated, with wooly hair, keratoderma, and tooth agenesis. Also called: Cardiomyopathy, dilated, with woolly hair, keratoderma, and tooth agenesis; Erythrokeratodermia-cardiomyopathy syndrome. Identifiers: Orphanet 476096, Orphanet 65282, MedGen C4014393, MONDO:0014355, OMIM 615821.

Allele frequency attached by ClinVar (database versions not stated): ExAC 0.00001; gnomAD 0.00001; gnomAD exomes 0.00001 and 0.00003; TOPMed 0.00003.
gnomAD v4.1: 40 of 1,613,922 alleles (0.0025%); highest among the groups gnomAD compares: Non-Finnish European, 0.0033%; no homozygotes.

Submissions (8):

Ambry Genetics
Classification: Uncertain significance for Cardiovascular phenotype. Last evaluated: 2025-08-06. Review status: criteria provided, single submitter. Criteria: Ambry Variant Classification Scheme 2023. Collection method: clinical testing. Allele origin: germline.
Comment: The p.S989F variant (also known as c.2966C>T), located in coding exon 21 of the DSP gene, results from a C to T substitution at nucleotide position 2966. The serine at codon 989 is replaced by phenylalanine, an amino acid with highly dissimilar properties. This amino acid position is not well conserved in available vertebrate species. In addition, the in silico prediction for this alteration is inconclusive. Since supporting evidence is limited at this time, the clinical significance of this alteration remains unclear.

Labcorp Genetics (formerly Invitae), Labcorp
Classification: Uncertain significance for Arrhythmogenic cardiomyopathy with wooly hair and keratoderma; Arrhythmogenic right ventricular dysplasia 8. Last evaluated: 2025-08-03. Review status: criteria provided, single submitter. Criteria: Invitae Variant Classification Sherloc (09022015). Collection method: clinical testing. Allele origin: germline.
Comment: This sequence change replaces serine, which is neutral and polar, with phenylalanine, which is neutral and non-polar, at codon 989 of the DSP protein (p.Ser989Phe). This variant is present in population databases (rs746346559, gnomAD 0.002%). This variant has not been reported in the literature in individuals affected with DSP-related conditions. ClinVar contains an entry for this variant (Variation ID: 581025). An algorithm developed to predict the effect of missense changes on protein structure and function (PolyPhen-2) suggests that this variant is likely to be disruptive. In summary, the available evidence is currently insufficient to determine the role of this variant in disease. Therefore, it has been classified as a Variant of Uncertain Significance.

All of Us Research Program, National Institutes of Health
Classification: Uncertain significance for Arrhythmogenic cardiomyopathy with wooly hair and keratoderma. Last evaluated: 2024-07-10. Review status: criteria provided, single submitter. Criteria: ACMG Guidelines, 2015. Collection method: clinical testing. Allele origin: germline. Inheritance: Autosomal dominant inheritance. Observed: 8 variant alleles, 8 heterozygotes.
Comment: This missense variant replaces serine with phenylalanine at codon 989 of the DSP protein. Computational prediction is inconclusive regarding the impact of this variant on protein structure and function (internally defined REVEL score threshold 0.5 < inconclusive < 0.7, PMID: 27666373). To our knowledge, functional studies have not been reported for this variant. This variant has not been reported in individuals affected with cardiovascular disorders in the literature. This variant has been identified in 2/251418 chromosomes in the general population by the Genome Aggregation Database (gnomAD). The available evidence is insufficient to determine the role of this variant in disease conclusively. Therefore, this variant is classified as a Variant of Uncertain Significance.

This study involves interpretation of variants in research participants for the purpose of population health screening. Participant phenotype was not available at the time of variant classification. Additional details can be found in publication PMID: 35346344, PMCID: PMC8962531

Color Diagnostics, LLC DBA Color Health
Classification: Uncertain significance for Cardiomyopathy. Last evaluated: 2024-06-13. Review status: criteria provided, single submitter. Criteria: ACMG Guidelines, 2015. Collection method: clinical testing. Allele origin: germline.
Comment: This missense variant replaces serine with phenylalanine at codon 989 of the DSP protein. Computational prediction is inconclusive regarding the impact of this variant on protein structure and function (internally defined REVEL score threshold 0.5 < inconclusive < 0.7, PMID: 27666373). To our knowledge, functional studies have not been reported for this variant. This variant has not been reported in individuals affected with cardiovascular disorders in the literature. This variant has been identified in 2/251418 chromosomes in the general population by the Genome Aggregation Database (gnomAD). The available evidence is insufficient to determine the role of this variant in disease conclusively. Therefore, this variant is classified as a Variant of Uncertain Significance.

Fulgent Genetics
Classification: Uncertain significance for Arrhythmogenic cardiomyopathy with wooly hair and keratoderma; Arrhythmogenic right ventricular dysplasia 8; Lethal acantholytic epidermolysis bullosa; Keratosis palmoplantaris striata 2; Cardiomyopathy, dilated, with wooly hair, keratoderma, and tooth agenesis. Last evaluated: 2021-10-08. Review status: criteria provided, single submitter. Criteria: ACMG Guidelines, 2015. Collection method: clinical testing. Allele origin: unknown.

Illumina Laboratory Services, Illumina
Classification: Uncertain significance for Arrhythmogenic cardiomyopathy with wooly hair and keratoderma. Last evaluated: 2018-01-12. Review status: criteria provided, single submitter. Criteria: ICSL Variant Classification Criteria 13 December 2019. Collection method: clinical testing. Allele origin: germline.

Illumina Laboratory Services, Illumina
Classification: Uncertain significance for Lethal acantholytic epidermolysis bullosa. Last evaluated: 2018-01-12. Review status: criteria provided, single submitter. Criteria: ICSL Variant Classification Criteria 13 December 2019. Collection method: clinical testing. Allele origin: germline.

Illumina Laboratory Services, Illumina
Classification: Uncertain significance for Arrhythmogenic right ventricular dysplasia 8. Last evaluated: 2018-01-12. Review status: criteria provided, single submitter. Criteria: ICSL Variant Classification Criteria 13 December 2019. Collection method: clinical testing. Allele origin: germline.